The following is an entry in ClinVar:

ClinVar aggregate classification (germline): Uncertain significance (1 of 4 stars; one submission).

Conditions:
Familial adenomatous polyposis 1 (FAP1). Also called: FAMILIAL ADENOMATOUS POLYPOSIS 1, ATTENUATED; POLYPOSIS, ADENOMATOUS INTESTINAL. Identifiers: MedGen C2713442, MONDO:0021056, OMIM 175100. Disease mechanism: loss of function.

Submission:

Labcorp Genetics (formerly Invitae), Labcorp
Classification: Uncertain significance for Familial adenomatous polyposis 1. Last evaluated: 2024-04-18. Review status: criteria provided, single submitter. Criteria: Invitae Variant Classification Sherloc (09022015). Collection method: clinical testing. Allele origin: germline.
Comment: This sequence change replaces serine, which is neutral and polar, with threonine, which is neutral and polar, at codon 2803 of the APC protein (p.Ser2803Thr). This variant is not present in population databases (gnomAD no frequency). This variant has not been reported in the literature in individuals affected with APC-related conditions. ClinVar contains an entry for this variant (Variation ID: 1005726). Advanced modeling of protein sequence and biophysical properties (such as structural, functional, and spatial information, amino acid conservation, physicochemical variation, residue mobility, and thermodynamic stability) performed at Invitae indicates that this missense variant is not expected to disrupt APC protein function with a negative predictive value of 95%. In summary, the available evidence is currently insufficient to determine the role of this variant in disease. Therefore, it has been classified as a Variant of Uncertain Significance.

NM_000038.6(APC):c.8407T>A (p.Ser2803Thr)

Gene: APC (APC regulator of Wnt signaling pathway; plus strand). Cytogenetic location: 5q22.2.
Variant type: single nucleotide variant.
Coding change: c.8407T>A on transcript NM_000038.6 (MANE Select); coding-DNA position 8407, T replaced by A.
Protein change: p.Ser2803Thr; replaces serine 2803 with threonine.
Molecular consequence: missense variant.
Genome position (GRCh38, 1-based): chr5:112,844,001, T>A. VCF-style: chr5-112844001-T-A. GRCh37 (hg19) VCF-style: chr5-112179698-T-A.
Other names: c.8407T>A, p.Ser2803Thr (NM_001127510.3, NM_001354895.2); c.8353T>A, p.Ser2785Thr (NM_001127511.3); c.8461T>A, p.Ser2821Thr (NM_001354896.2); c.8437T>A, p.Ser2813Thr (NM_001354897.2); c.8332T>A, p.Ser2778Thr (NM_001354898.2); c.8323T>A, p.Ser2775Thr (NM_001354899.2); c.8284T>A, p.Ser2762Thr (NM_001354900.2); c.8230T>A, p.Ser2744Thr (NM_001354901.2); and 5 more; short protein forms S2520T, S2643T, S2677T, S2702T, S2712T, S2744T, S2762T, S2775T.
Identifiers: ClinVar variation 1005726 (VCV001005726.10), dbSNP rs1766737898, ClinGen allele CA16039572.
Genomic context (GRCh38, chr5:112,844,001, plus strand): 5'-CCTTTTAATTACAACCCAAGCCCTAGGAAAAGCAGCGCAGATAGCACTTCAGCTCGGCCA[T>A]CTCAGATCCCAACTCCAGTGAATAACAACACAAAGAAGCGAGATTCCAAAACTGACAGCA-3'
Protein context (NP_000029.2, residues 2793-2813): SSADSTSARP[Ser2803Thr]QIPTPVNNNT